The following is an entry in ClinVar:

ClinVar aggregate classification (germline): Uncertain significance (1 of 4 stars; one submission).

gnomAD v4.1: 3 of 1,612,718 alleles (0.00019%); highest among the groups gnomAD compares: South Asian, 0.0033%; no homozygotes.

Submission:

Labcorp Genetics (formerly Invitae), Labcorp
Classification: Uncertain significance. Last evaluated: 2024-11-14. Review status: criteria provided, single submitter. Criteria: Invitae Variant Classification Sherloc (09022015). Collection method: clinical testing. Allele origin: germline.
Comment: This sequence change replaces serine, which is neutral and polar, with cysteine, which is neutral and slightly polar, at codon 693 of the ADAMTSL4 protein (p.Ser693Cys). This variant is not present in population databases (gnomAD no frequency). This variant has not been reported in the literature in individuals affected with ADAMTSL4-related conditions. Invitae Evidence Modeling of protein sequence and biophysical properties (such as structural, functional, and spatial information, amino acid conservation, physicochemical variation, residue mobility, and thermodynamic stability) indicates that this missense variant is expected to disrupt ADAMTSL4 protein function with a positive predictive value of 80%. In summary, the available evidence is currently insufficient to determine the role of this variant in disease. Therefore, it has been classified as a Variant of Uncertain Significance.

NM_019032.6(ADAMTSL4):c.2078C>G (p.Ser693Cys)

Genes: ADAMTSL4 (ADAMTS like 4; plus strand), ADAMTSL4-AS2 (ADAMTSL4 antisense RNA 2; minus strand). Cytogenetic location: 1q21.2.
Variant type: single nucleotide variant.
Coding change: c.2078C>G on transcript NM_019032.6 (MANE Select); coding-DNA position 2078, C replaced by G.
Protein change: p.Ser693Cys; replaces serine 693 with cysteine.
Molecular consequence: missense variant.
Genome position (GRCh38, 1-based): chr1:150,557,524, C>G. VCF-style: chr1-150557524-C-G. GRCh37 (hg19) VCF-style: chr1-150530000-C-G.
Other names: c.1961C>G, p.Ser654Cys (NM_001288607.2); c.2147C>G, p.Ser716Cys (NM_001288608.2); c.2078C>G, p.Ser693Cys (NM_001378596.1, NM_025008.5); short protein forms S654C, S716C, S693C.
Identifiers: ClinVar variation 3687982 (VCV003687982.2).
Genomic context (GRCh38, chr1:150,557,524, plus strand): 5'-GCCTCCCTGGCTGCCTTCTCACCCACTCAGGTGTCTGGCGCCCCATTTTCCTCTGCATCT[C>G]CCGTGAGTCGGGAGAGGAACTGGATGAACGCAGCTGTGCCGCGGGTGCCAGGCCCCCAGC-3'
Protein context (NP_061905.2, residues 683-703): GVWRPIFLCI[Ser693Cys]RESGEELDER